The following is an entry in ClinVar:

ClinVar aggregate classification (germline): Likely benign. Review status: criteria provided, multiple submitters, no conflicts (2 of 4 stars). 3 submissions from 3 submitters: Likely benign (3). Last evaluated 2026-01-20.

Allele frequency attached by ClinVar (database versions not stated): ExAC 0.00004; gnomAD 0.00004; gnomAD exomes 0.00004 and 0.00008; TOPMed 0.00005; 1000 Genomes Project 30x 0.00016; 1000 Genomes Project 0.00020.
gnomAD v4.1: 127 of 1,613,750 alleles (0.0079%); highest among the groups gnomAD compares: Non-Finnish European, 0.0097%; no homozygotes.

Submissions (3):

Labcorp Genetics (formerly Invitae), Labcorp
Classification: Likely benign. Last evaluated: 2026-01-20. Review status: criteria provided, single submitter. Criteria: Invitae Variant Classification Sherloc (09022015). Collection method: clinical testing. Allele origin: germline.

Blueprint Genetics
Classification: Likely benign. Last evaluated: 2024-03-05. Review status: criteria provided, single submitter. Criteria: ACMG Guidelines, 2015. Collection method: clinical testing. Allele origin: germline.

GeneDx
Classification: Likely benign. Last evaluated: 2018-06-05. Review status: criteria provided, single submitter. Criteria: GeneDx Variant Classification (06012015). Collection method: clinical testing. Allele origin: germline. Affected: yes.
Comment: This variant is considered likely benign or benign based on one or more of the following criteria: it is a conservative change, it occurs at a poorly conserved position in the protein, it is predicted to be benign by multiple in silico algorithms, and/or has population frequency not consistent with disease.

NM_080680.3(COL11A2):c.1665+17C>T

Gene: COL11A2 (collagen type XI alpha 2 chain; minus strand). Cytogenetic location: 6p21.32.
Variant type: single nucleotide variant.
Coding change: c.1665+17C>T on transcript NM_080680.3 (MANE Select); 17 bases into the intron after coding-DNA position 1665, C replaced by T.
Molecular consequence: intron variant.
Genome position (GRCh38, 1-based): chr6:33,178,903, G>A on the plus strand (C>T on the coding strand, the complement: COL11A2 is on the minus strand). VCF-style: chr6-33178903-G-A. GRCh37 (hg19) VCF-style: chr6-33146680-G-A.
Other names: c.1344+17C>T (NM_080679.3); c.1407+17C>T (NM_080681.3).
Identifiers: ClinVar variation 669309 (VCV000669309.7), dbSNP rs543296211, ClinGen allele CA3751266.